The following is an entry in ClinVar:

NM_001384910.1(GUCA1A):c.86G>A (p.Cys29Tyr)

Genes: GUCA1A (guanylate cyclase activator 1A; plus strand), GUCA1ANB-GUCA1A (GUCA1ANB-GUCA1A readthrough; plus strand). Cytogenetic location: 6p21.1.
Variant type: single nucleotide variant.
Coding change: c.86G>A on transcript NM_001384910.1 (MANE Select); coding-DNA position 86, G replaced by A.
Protein change: p.Cys29Tyr; replaces cysteine 29 with tyrosine.
Molecular consequence: missense variant.
Genome position (GRCh38, 1-based): chr6:42,173,699, G>A. VCF-style: chr6-42173699-G-A. GRCh37 (hg19) VCF-style: chr6-42141437-G-A.
Other names: c.86G>A, p.Cys29Tyr (NM_000409.5, NM_001319061.2, NM_001319062.2); short protein forms C29Y.
Identifiers: ClinVar variation 1977312 (VCV001977312.5), dbSNP rs1400394657, ClinGen allele CA364105585.
Genomic context (GRCh38, chr6:42,173,699, plus strand): 5'-CAGTGGAGGAGCTGAGCAGCACCGAGTGCCACCAGTGGTACAAGAAGTTCATGACTGAGT[G>A]CCCCTCTGGCCAACTCACCCTCTATGAGTTCCGCCAGTTCTTCGGCCTCAAGAACCTGAG-3'
Protein context (NP_001371839.1, residues 19-39): HQWYKKFMTE[Cys29Tyr]PSGQLTLYEF

ClinVar aggregate classification (germline): Uncertain significance (1 of 4 stars; one submission).

Allele frequency attached by ClinVar (database versions not stated): gnomAD exomes below 0.00001; TOPMed 0.00001.

Submission:

Labcorp Genetics (formerly Invitae), Labcorp
Classification: Uncertain significance. Last evaluated: 2022-09-01. Review status: criteria provided, single submitter. Criteria: Invitae Variant Classification Sherloc (09022015). Collection method: clinical testing. Allele origin: germline.
Comment: This sequence change replaces cysteine, which is neutral and slightly polar, with tyrosine, which is neutral and polar, at codon 29 of the GUCA1A protein (p.Cys29Tyr). This variant is not present in population databases (gnomAD no frequency). This variant has not been reported in the literature in individuals affected with GUCA1A-related conditions. Algorithms developed to predict the effect of missense changes on protein structure and function are either unavailable or do not agree on the potential impact of this missense change (SIFT: "Not Available"; PolyPhen-2: "Probably Damaging"; Align-GVGD: "Not Available"). In summary, the available evidence is currently insufficient to determine the role of this variant in disease. Therefore, it has been classified as a Variant of Uncertain Significance.